The following is an entry in ClinVar:

NM_002838.5(PTPRC):c.1920A>G (p.Glu640=)

Gene: PTPRC (protein tyrosine phosphatase receptor type C; plus strand). Cytogenetic location: 1q32.1.
Variant type: single nucleotide variant.
Coding change: c.1920A>G on transcript NM_002838.5 (MANE Select); coding-DNA position 1920, A replaced by G.
Protein change: p.Glu640=; no amino-acid change (glutamic acid 640 retained).
Molecular consequence: synonymous variant.
Genome position (GRCh38, 1-based): chr1:198,731,672, A>G. VCF-style: chr1-198731672-A-G. GRCh37 (hg19) VCF-style: chr1-198700801-A-G.
Other names: c.1437A>G, p.Glu479= (NM_080921.4).
Identifiers: ClinVar variation 2958911 (VCV002958911.24), dbSNP rs762598134, ClinGen allele CA1314940.
Genomic context (GRCh38, chr1:198,731,672, plus strand): 5'-TCCAGATGATGAAAAACAACTGATGAATGTGGAGCCAATCCATGCAGATATTTTGTTGGA[A>G]ACTTATAAGAGGAAGATTGCTGATGAAGGAAGACTTTTTCTGGCTGAATTTCAGGTGTGT-3'
Protein context (NP_002829.3, residues 630-650): VEPIHADILL[Glu640=]TYKRKIADEG

ClinVar aggregate classification (germline): Likely benign. Review status: criteria provided, multiple submitters, no conflicts (2 of 4 stars). 2 submissions from 2 submitters: Likely benign (2). Last evaluated 2024-05-23.

Conditions:
Immunodeficiency 104. Also called: IMMUNODEFICIENCY 104, SEVERE COMBINED; Severe combined immunodeficiency, autosomal recessive, T cell-negative, B cell-positive, NK cell-positive; Severe Combined Immune Deficiency, Autosomal Recessive, TCell -Negative, B Cell-Positive, NK Cell-Positive, IL7R-Related; SCID, AUTOSOMAL RECESSIVE, T CELL-NEGATIVE, B CELL-POSITIVE, NK CELL-POSITIVE. Identifiers: MedGen C5676890, MONDO:0012163, OMIM 608971.

Allele frequency attached by ClinVar (database versions not stated): ExAC 0.00001; gnomAD 0.00002; TOPMed 0.00002.
gnomAD v4.1: 40 of 1,611,758 alleles (0.0025%); highest among the groups gnomAD compares: South Asian, 0.0044%; no homozygotes.

Submissions (2):

Labcorp Genetics (formerly Invitae), Labcorp
Classification: Likely benign for Immunodeficiency 104. Last evaluated: 2024-05-23. Review status: criteria provided, single submitter. Criteria: Invitae Variant Classification Sherloc (09022015). Collection method: clinical testing. Allele origin: germline.

CeGaT Center for Human Genetics Tuebingen
Classification: Likely benign. Last evaluated: 2024-03-01. Review status: criteria provided, single submitter. Criteria: CeGaT Center For Human Genetics Tuebingen Variant Classification Criteria Version 2. Collection method: clinical testing. Allele origin: germline. Affected: yes. Observed: 1 variant allele.
Comment: PTPRC: BP4, BP7